The following is an entry in ClinVar:

ClinVar aggregate classification (germline): Pathogenic. Review status: reviewed by expert panel (3 of 4 stars). 4 submissions from 4 submitters: Pathogenic (1). 3 of the submissions do not count toward it. Last evaluated 2016-10-18.

Conditions:
Hereditary cancer-predisposing syndrome. Also called: Tumor predisposition; Neoplastic Syndromes, Hereditary; Hereditary Cancer Syndrome; Hereditary neoplastic syndrome. Identifiers: Orphanet 140162, MedGen C0027672, MeSH D009386, MONDO:0015356.
Hereditary breast ovarian cancer syndrome. Also called: Hereditary breast and ovarian cancer syndrome (HBOC); Hereditary breast and ovarian cancer syndrome; Hereditary breast and ovarian cancer; Hereditary breast and/or ovarian cancer syndrome; Breast and ovarian cancer; BRCA1- and BRCA2-Associated Hereditary Breast and Ovarian Cancer. Identifiers: Orphanet 145, MedGen C0677776, MeSH D061325, MONDO:0003582. Disease mechanism: loss of function.
Breast-ovarian cancer, familial, susceptibility to, 1 (BROVCA1). Also called: OVARIAN CANCER, SUSCEPTIBILITY TO; BRCA1 Hereditary Breast and Ovarian Cancer. Identifiers: Orphanet 145, MedGen C2676676, MONDO:0011450, OMIM 604370. Disease mechanism: loss of function.

Submissions (4):

Evidence-based Network for the Interpretation of Germline Mutant Alleles (ENIGMA)
Classification: Pathogenic for Breast-ovarian cancer, familial, susceptibility to, 1. Last evaluated: 2016-10-18. Review status: reviewed by expert panel. Criteria: ENIGMA BRCA1/2 Classification Criteria (2015). Collection method: curation. Allele origin: germline.
Comment: Variant allele predicted to encode a truncated non-functional protein.

Labcorp Genetics (formerly Invitae), Labcorp
Classification: Pathogenic for Hereditary breast ovarian cancer syndrome. Last evaluated: 2023-12-08. Review status: criteria provided, single submitter. Criteria: Invitae Variant Classification Sherloc (09022015). Collection method: clinical testing. Allele origin: germline. Not counted in ClinVar's aggregate classification.
Comment: This sequence change creates a premature translational stop signal (p.Glu572Aspfs*16) in the BRCA1 gene. It is expected to result in an absent or disrupted protein product. Loss-of-function variants in BRCA1 are known to be pathogenic (PMID: 20104584). This variant is not present in population databases (gnomAD no frequency). This premature translational stop signal has been observed in individual(s) with breast and/or ovarian cancer (PMID: 19656164, 22798144, 29020732). ClinVar contains an entry for this variant (Variation ID: 54332). For these reasons, this variant has been classified as Pathogenic.

Ambry Genetics
Classification: Pathogenic for Hereditary cancer-predisposing syndrome. Last evaluated: 2018-06-11. Review status: criteria provided, single submitter. Criteria: Ambry Variant Classification Scheme 2023. Collection method: clinical testing. Allele origin: germline. Not counted in ClinVar's aggregate classification.
Comment: The c.1716delA pathogenic mutation, located in coding exon 9 of the BRCA1 gene, results from a deletion of one nucleotide at nucleotide position 1716, causing a translational frameshift with a predicted alternate stop codon (p.E572Dfs*16). This mutation has been reported in multiple Korean patients and families with breast and/or ovarian cancer (Seong MW et al. Clin. Genet., 2009 Aug;76:152-60; Eoh KJ et al. Cancer Res Treat, 2017 Sep; Kang E et al. Breast Cancer Res. Treat., 2015 May;151:157-68; Kim H et al. Breast Cancer Res. Treat., 2012 Aug;134:1315-26; Rebbeck TR et al. Hum. Mutat., 2018 May;39:593-620). In addition to the clinical data presented in the literature, this alteration is expected to result in loss of function by premature protein truncation or nonsense-mediated mRNA decay. As such, this alteration is interpreted as a disease-causing mutation.

Consortium of Investigators of Modifiers of BRCA1/2 (CIMBA), c/o University of Cambridge
Classification: Pathogenic for Breast-ovarian cancer, familial, susceptibility to, 1. Last evaluated: 2015-10-02. Review status: criteria provided, single submitter. Criteria: CIMBA Mutation Classification guidelines May 2016. Collection method: clinical testing. Allele origin: germline. Not counted in ClinVar's aggregate classification.

Literature cited by the submitters: PubMed 20104584 (cited by Labcorp Genetics (formerly Invitae), Labcorp); PubMed 19656164 (cited by Labcorp Genetics (formerly Invitae), Labcorp and Ambry Genetics); PubMed 22798144 (cited by Labcorp Genetics (formerly Invitae), Labcorp and Ambry Genetics); PubMed 29020732 (cited by Labcorp Genetics (formerly Invitae), Labcorp and Ambry Genetics); PubMed 25863477 (cited by Ambry Genetics); PubMed 29446198 (cited by Ambry Genetics).

NM_007294.4(BRCA1):c.1716del (p.Glu572fs)

Gene: BRCA1 (BRCA1 DNA repair associated; minus strand). Cytogenetic location: 17q21.31.
Variant type: Deletion.
Coding change: c.1716del on transcript NM_007294.4 (MANE Select); coding-DNA position 1716, one base deleted (A; older notation c.1716delA).
Protein change: p.Glu572fs; shifts the reading frame from glutamic acid 572.
Molecular consequence: frameshift variant. On other transcripts: intron variant (137).
Genome position (GRCh38, 1-based): chr17:43,093,815, T deleted on the plus strand (A on the coding strand, the reverse complement: BRCA1 is on the minus strand); the first of 2 consecutive T bases (chr17:43,093,815-43,093,816); deleting either gives the same sequence. VCF-style (leftmost placement, unchanged base first): chr17-43093814-AT-A. GRCh37 (hg19) VCF-style: chr17-41245831-AT-A.
Other names: 1835delA; c.1716delA (NM_007294.3); c.1452del, p.Glu484fs (NM_001407925.1, NM_001407926.1, NM_001407927.1 and 9 more transcripts); c.1449del, p.Glu483fs (NM_001407930.1, NM_001407931.1, NM_001407932.1 and 2 more transcripts); c.1593del, p.Glu531fs (NM_001407937.1, NM_001407938.1, NM_001407939.1 and 19 more transcripts); c.1590del, p.Glu530fs (NM_001407940.1, NM_001407941.1, NM_001407649.1 and 11 more transcripts); c.1575del, p.Glu525fs (NM_001407942.1, NM_001407944.1, NM_001407945.1 and 29 more transcripts); c.1572del, p.Glu524fs (NM_001407943.1, NM_001407964.1, NM_001407740.1 and 20 more transcripts); and 42 more; short protein forms E525fs, E572fs, E444fs, E445fs, E484fs, E501fs, E545fs, E571fs.
Identifiers: ClinVar variation 54332 (VCV000054332.18), dbSNP rs397508900, ClinGen allele CA001125.